The following is an entry in ClinVar:

NM_025144.4(ALPK1):c.3685T>C (p.Cys1229Arg)

Gene: ALPK1 (alpha kinase 1; plus strand). Cytogenetic location: 4q25.
Variant type: single nucleotide variant.
Coding change: c.3685T>C on transcript NM_025144.4 (MANE Select); coding-DNA position 3685, T replaced by C.
Protein change: p.Cys1229Arg; replaces cysteine 1229 with arginine.
Molecular consequence: missense variant.
Genome position (GRCh38, 1-based): chr4:112,441,063, T>C. VCF-style: chr4-112441063-T-C. GRCh37 (hg19) VCF-style: chr4-113362219-T-C.
Other names: c.3685T>C, p.Cys1229Arg (NM_001102406.2); c.3451T>C, p.Cys1151Arg (NM_001253884.2); short protein forms C1151R, C1229R.
Identifiers: ClinVar variation 3673414 (VCV003673414.2).

ClinVar aggregate classification (germline): Uncertain significance (1 of 4 stars; one submission).

gnomAD v4.1: 1 of 1,613,970 alleles (0.000062%); highest among the groups gnomAD compares: Non-Finnish European, 0.000085%; no homozygotes.

Submission:

Labcorp Genetics (formerly Invitae), Labcorp
Classification: Uncertain significance. Last evaluated: 2024-11-27. Review status: criteria provided, single submitter. Criteria: Invitae Variant Classification Sherloc (09022015). Collection method: clinical testing. Allele origin: germline.
Comment: This sequence change replaces cysteine, which is neutral and slightly polar, with arginine, which is basic and polar, at codon 1229 of the ALPK1 protein (p.Cys1229Arg). This variant is not present in population databases (gnomAD no frequency). This variant has not been reported in the literature in individuals affected with ALPK1-related conditions. An algorithm developed to predict the effect of missense changes on protein structure and function (PolyPhen-2) suggests that this variant is likely to be disruptive. In summary, the available evidence is currently insufficient to determine the role of this variant in disease. Therefore, it has been classified as a Variant of Uncertain Significance.